The following is an entry in ClinVar:

NM_013372.7(GREM1):c.196A>C (p.Thr66Pro)

Gene: GREM1 (gremlin 1, DAN family BMP antagonist; plus strand). Cytogenetic location: 15q13.3.
Variant type: single nucleotide variant.
Coding change: c.196A>C on transcript NM_013372.7 (MANE Select); coding-DNA position 196, A replaced by C.
Protein change: p.Thr66Pro; replaces threonine 66 with proline.
Molecular consequence: missense variant. On other transcripts: intron variant (2).
Genome position (GRCh38, 1-based): chr15:32,730,886, A>C. VCF-style: chr15-32730886-A-C. GRCh37 (hg19) VCF-style: chr15-33023087-A-C.
Other names: c.196A>C, p.Thr66Pro (NM_001368719.1); c.115-42A>C (NM_001191323.2); c.28-42A>C (NM_001191322.2); short protein forms T66P.
Identifiers: ClinVar variation 4032191 (VCV004032191.1).
Genomic context (GRCh38, chr15:32,730,886, plus strand): 5'-CAGACTCAGTCGCCCCAGCAGCCTGGCTCCAGGAACCGGGGGCGGGGCCAAGGGCGGGGC[A>C]CTGCCATGCCCGGGGAGGAGGTGCTGGAGTCCAGCCAAGAGGCCCTGCATGTGACGGAGC-3'
Protein context (NP_037504.1, residues 56-76): RNRGRGQGRG[Thr66Pro]AMPGEEVLES

ClinVar aggregate classification (germline): Uncertain significance (1 of 4 stars; one submission).

Conditions:
Hereditary cancer-predisposing syndrome. Also called: Neoplastic Syndromes, Hereditary; Tumor predisposition; Hereditary neoplastic syndrome; Hereditary Cancer Syndrome. Identifiers: Orphanet 140162, MedGen C0027672, MeSH D009386, MONDO:0015356.

Submission:

Ambry Genetics
Classification: Uncertain significance for Hereditary cancer-predisposing syndrome. Last evaluated: 2025-05-23. Review status: criteria provided, single submitter. Criteria: Ambry Variant Classification Scheme 2023. Collection method: clinical testing. Allele origin: germline.
Comment: The p.T66P variant (also known as c.196A>C), located in coding exon 1 of the GREM1 gene, results from an A to C substitution at nucleotide position 196. The threonine at codon 66 is replaced by proline, an amino acid with highly similar properties. This amino acid position is conserved. In addition, this alteration is predicted to be tolerated by in silico analysis. Based on the available evidence, the clinical significance of this variant remains unclear.